The following is an entry in ClinVar:

NM_001135651.3(EIF2AK2):c.1344dup (p.Lys449Ter)

Gene: EIF2AK2 (eukaryotic translation initiation factor 2 alpha kinase 2; minus strand). Cytogenetic location: 2p22.2.
Variant type: Duplication.
Coding change: c.1344dup on transcript NM_001135651.3 (MANE Select); coding-DNA position 1344, one base duplicated (T; older notation c.1344dupT).
Protein change: p.Lys449Ter; replaces lysine 449 with a stop codon.
Molecular consequence: nonsense. On other transcripts: frameshift variant (1).
Genome position (GRCh38, 1-based): chr2:37,114,764, A duplicated on the plus strand (T on the coding strand, the reverse complement: EIF2AK2 is on the minus strand). VCF-style (leftmost placement, unchanged base first): chr2-37114763-T-TA. GRCh37 (hg19) VCF-style: chr2-37341906-T-TA.
Other names: c.1221dup, p.Lys408Terfs (NM_001135652.3); c.1344dup, p.Lys449Ter (NM_002759.4); short protein forms K408*, K449*.
Identifiers: ClinVar variation 2579825 (VCV002579825.1), dbSNP rs2466922257, ClinGen allele CA2576990540.
Genomic context (GRCh38, chr2:37,114,763, plus strand): 5'-ATATAGACAGACAGGAAAGAGACCTTACCTGTTCTGGGCTCATGTATCGCAAAGTTCCCT[T>TA]ACTCCTTGTTCGCTTTCCATCATTTTTCAGAGATGTTACAAGTCCAAAGTCTCCAATCTT-3'

ClinVar aggregate classification (germline): Uncertain significance (1 of 4 stars; one submission).

Allele frequency attached by ClinVar (database versions not stated): gnomAD exomes below 0.00001.

Submission:

GeneDx
Classification: Uncertain significance. Last evaluated: 2023-03-12. Review status: criteria provided, single submitter. Criteria: GeneDx Variant Classification Process June 2021. Collection method: clinical testing. Allele origin: germline. Affected: yes.
Comment: Nonsense variant predicted to result in protein truncation or nonsense mediated decay in a gene or region of a gene for which loss of function is not a well-established mechanism of disease; Not observed at significant frequency in large population cohorts (gnomAD); Has not been previously published as pathogenic or benign to our knowledge